The following is an entry in ClinVar:

ClinVar aggregate classification (germline): Likely pathogenic (1 of 4 stars; one submission).

Conditions:
ALG6-congenital disorder of glycosylation 1C (CDG1C). Also called: CARBOHYDRATE-DEFICIENT GLYCOPROTEIN SYNDROME, TYPE I, WITH DEFICIENT GLYCOSYLATION OF DOLICHOL-LINKED OLIGOSACCHARIDE; CARBOHYDRATE-DEFICIENT GLYCOPROTEIN SYNDROME, TYPE V; Congenital disorder of glycosylation type 1C; CDG Ic; Congenital disorder of glycosylation, type Ic. Identifiers: Orphanet 79320, MedGen C2930997, MONDO:0011291, OMIM 603147.

Submission:

Myriad Genetics, Inc.
Classification: Likely pathogenic for ALG6-congenital disorder of glycosylation 1C. Last evaluated: 2021-12-08. Review status: criteria provided, single submitter. Criteria: Myriad Women's Health Autosomal Recessive and X-Linked Classification Criteria (2021). Collection method: clinical testing. Allele origin: unknown.
Comment: NM_013339.3(ALG6):c.1076T>A(L359*) is expected to be pathogenic in the context of congenital disorder of glycosylation type Ic. This variant is predicted to lead to an abnormal or absent protein product due to the creation of a premature termination codon in ALG6, a gene where loss-of-function variants are known to be pathogenic. Please note: this variant was assessed in the context of healthy population screening.

NM_013339.4(ALG6):c.1076T>A (p.Leu359Ter)

Gene: ALG6 (ALG6 alpha-1,3-glucosyltransferase; plus strand). Cytogenetic location: 1p31.3.
Variant type: single nucleotide variant.
Coding change: c.1076T>A on transcript NM_013339.4 (MANE Select); coding-DNA position 1076, T replaced by A.
Protein change: p.Leu359Ter; replaces leucine 359 with a stop codon.
Molecular consequence: nonsense.
Genome position (GRCh38, 1-based): chr1:63,428,750, T>A. VCF-style: chr1-63428750-T-A. GRCh37 (hg19) VCF-style: chr1-63894421-T-A.
Other names: short protein forms L359*.
Identifiers: ClinVar variation 1725853 (VCV001725853.2), dbSNP rs2523793339, ClinGen allele CA340639777.
Genomic context (GRCh38, chr1:63,428,750, plus strand): 5'-TATATTCTGTAATATTAAAATATTTTTTTCTTTACGATTTTAGACCAGTCTGCTTAGTTT[T>A]AAGTGAAATTCCTTTTATGTCTACTTGGTTTTTACTTGTGTCAACATTTAGGTAAGTCAT-3'